The following is an entry in ClinVar:

NM_021954.4(GJA3):c.771dup (p.Ser258fs)

Gene: GJA3 (gap junction protein alpha 3; minus strand). Cytogenetic location: 13q12.11.
Variant type: Duplication.
Coding change: c.771dup on transcript NM_021954.4 (MANE Select); coding-DNA position 771, one base duplicated (C; older notation c.771dupC).
Protein change: p.Ser258fs; shifts the reading frame from serine 258.
Molecular consequence: frameshift variant.
Genome position (GRCh38, 1-based): chr13:20,142,518, G duplicated on the plus strand (C on the coding strand, the reverse complement: GJA3 is on the minus strand); the first of 6 consecutive G bases (chr13:20,142,518-20,142,523); duplicating any one gives the same sequence. VCF-style (leftmost placement, unchanged base first): chr13-20142517-T-TG. GRCh37 (hg19) VCF-style: chr13-20716656-T-TG.
Other names: short protein forms S258fs.
Identifiers: ClinVar variation 3253695 (VCV003253695.3), dbSNP rs752926638.

ClinVar aggregate classification (germline): Likely pathogenic. Review status: criteria provided, multiple submitters, no conflicts (2 of 4 stars). 2 submissions from 2 submitters: Likely pathogenic (2). Last evaluated 2023-01-21.

Conditions:
Cataract 14 multiple types. Also called: CATARACT 14, ZONULAR PULVERULENT; CATARACT 14, NUCLEAR PULVERULENT; CATARACT 14, NUCLEAR PULVERULENT AND POSTERIOR POLAR; CATARACT 14, NUCLEAR CORALLIFORM; CATARACT 14, EMBRYONAL NUCLEAR; CATARACT 14, COPPOCK-LIKE. Identifiers: Orphanet 91492, MedGen C1866078, MONDO:0011162, OMIM 601885.

Submissions (2):

Dept. Genetics and Cancer, Menzies Institute for Medical Research, University of Tasmania
Classification: Likely pathogenic for Cataract 14 multiple types. Last evaluated: 2023-01-21. Review status: criteria provided, single submitter. Criteria: ACMG Guidelines, 2015. Collection method: curation. Allele origin: germline. Affected: yes.
Comment: Variant identified and curated during a GJA3 specific review of the literature in relation to pediatric or congenital cataract. ACMG-AMP criteria applied: PSV1(Strong), PM2(Supporting), PP1. Original variant report: PMID:32384692. The cataract phenotype reported for this variant is: Lamellar. Gene review and curation guidelines are outlined in: DOI 10.1080/17469899.2023.2160320

Juno Genomics, Hangzhou Juno Genomics, Inc
Classification: Likely pathogenic for Cataract 14 multiple types. Review status: criteria provided, single submitter. Criteria: ACMG Guidelines, 2015. Collection method: clinical testing. Allele origin: germline.
Comment: Absent from controls (or at extremely low frequency if recessive) in Genome Aggregation Database.;Null variant in a gene where loss of function (LOF) is a known mechanism of disease.;Co-segregation with disease in multiple affected family members.

Literature cited by the submitters: PubMed 32384692 (cited by Dept. Genetics and Cancer, Menzies Institute for Medical Research, University of Tasmania).